The following is an entry in ClinVar:

ClinVar aggregate classification (germline): Uncertain significance. Review status: criteria provided, multiple submitters, no conflicts (2 of 4 stars). 4 submissions from 4 submitters: Uncertain significance (4). Last evaluated 2025-11-13.

Conditions:
Inborn genetic diseases. Identifiers: MedGen C0950123, MeSH D030342.
Autosomal recessive limb-girdle muscular dystrophy type 2D (LGMDR3). Also called: DUCHENNE-LIKE AUTOSOMAL RECESSIVE MUSCULAR DYSTROPHY, TYPE 2; MUSCULAR DYSTROPHY, LIMB-GIRDLE, AUTOSOMAL RECESSIVE 3; ADHALINOPATHY, PRIMARY. Identifiers: Orphanet 62, MedGen C2936332, MONDO:0011968, OMIM 608099. Disease mechanism: Affects gamma-sarcoglycan and also disrupts the integrity of the entire sarcoglycan complex..

Allele frequency attached by ClinVar (database versions not stated): TOPMed below 0.00001; gnomAD 0.00003; gnomAD exomes 0.00004.
gnomAD v4.1: 66 of 1,574,666 alleles (0.0042%); highest among the groups gnomAD compares: South Asian, 0.01%; no homozygotes.

Submissions (4):

Myriad Genetics, Inc.
Classification: Uncertain significance for Autosomal recessive limb-girdle muscular dystrophy type 2D. Last evaluated: 2025-11-13. Review status: criteria provided, single submitter. Criteria: Myriad Autosomal Dominant, Autosomal Recessive and X-Linked Classification Criteria (2023). Collection method: clinical testing. Allele origin: unknown.
Comment: NM_000023.2(SGCA):c.550C>T(R184C) is a missense variant classified as a variant of uncertain significance in the context of alpha-sarcoglycanopathy. R184C has not been observed in cases with relevant disease. Relevant functional assessments of this variant are not available in the literature. R184C has been observed in referenced population frequency databases. In summary, there is insufficient evidence to classify NM_000023.2(SGCA):c.550C>T(R184C) as pathogenic or benign. Please note: this variant was assessed in the context of healthy population screening.

Revvity Omics, Revvity
Classification: Uncertain significance for Autosomal recessive limb-girdle muscular dystrophy type 2D. Last evaluated: 2024-05-02. Review status: criteria provided, single submitter. Criteria: ACMG Guidelines, 2015. Collection method: clinical testing. Allele origin: germline.

Ambry Genetics
Classification: Uncertain significance for Inborn genetic diseases. Last evaluated: 2023-07-12. Review status: criteria provided, single submitter. Criteria: Ambry Variant Classification Scheme 2023. Collection method: clinical testing. Allele origin: germline.

Labcorp Genetics (formerly Invitae), Labcorp
Classification: Uncertain significance for Autosomal recessive limb-girdle muscular dystrophy type 2D. Last evaluated: 2022-05-13. Review status: criteria provided, single submitter. Criteria: Invitae Variant Classification Sherloc (09022015). Collection method: clinical testing. Allele origin: germline.
Comment: This sequence change replaces arginine, which is basic and polar, with cysteine, which is neutral and slightly polar, at codon 184 of the SGCA protein (p.Arg184Cys). The frequency data for this variant in the population databases is considered unreliable, as metrics indicate poor data quality at this position in the gnomAD database. This variant has not been reported in the literature in individuals affected with SGCA-related conditions. Advanced modeling of protein sequence and biophysical properties (such as structural, functional, and spatial information, amino acid conservation, physicochemical variation, residue mobility, and thermodynamic stability) performed at Invitae indicates that this missense variant is expected to disrupt SGCA protein function. In summary, the available evidence is currently insufficient to determine the role of this variant in disease. Therefore, it has been classified as a Variant of Uncertain Significance.

NM_000023.4(SGCA):c.550C>T (p.Arg184Cys)

Gene: SGCA (sarcoglycan alpha; plus strand). Cytogenetic location: 17q21.33.
Variant type: single nucleotide variant.
Coding change: c.550C>T on transcript NM_000023.4 (MANE Select); coding-DNA position 550, C replaced by T.
Protein change: p.Arg184Cys; replaces arginine 184 with cysteine.
Molecular consequence: missense variant. On other transcripts: non-coding transcript variant (1).
Genome position (GRCh38, 1-based): chr17:50,168,538, C>T. VCF-style: chr17-50168538-C-T. GRCh37 (hg19) VCF-style: chr17-48245899-C-T.
Other names: c.550C>T, p.Arg184Cys (NM_001135697.3); short protein forms R184C.
Identifiers: ClinVar variation 2052923 (VCV002052923.5), dbSNP rs767691968, ClinGen allele CA291536537.